The following is an entry in ClinVar:

ClinVar aggregate classification (germline): Uncertain significance (1 of 4 stars; one submission).

Submission:

Labcorp Genetics (formerly Invitae), Labcorp
Classification: Uncertain significance. Last evaluated: 2023-06-03. Review status: criteria provided, single submitter. Criteria: Invitae Variant Classification Sherloc (09022015). Collection method: clinical testing. Allele origin: germline.
Comment: This sequence change replaces serine, which is neutral and polar, with glycine, which is neutral and non-polar, at codon 483 of the PPP1R15B protein (p.Ser483Gly). This variant is not present in population databases (gnomAD no frequency). This variant has not been reported in the literature in individuals affected with PPP1R15B-related conditions. Advanced modeling of protein sequence and biophysical properties (such as structural, functional, and spatial information, amino acid conservation, physicochemical variation, residue mobility, and thermodynamic stability) performed at Invitae indicates that this missense variant is expected to disrupt PPP1R15B protein function. In summary, the available evidence is currently insufficient to determine the role of this variant in disease. Therefore, it has been classified as a Variant of Uncertain Significance.

NM_032833.5(PPP1R15B):c.1447A>G (p.Ser483Gly)

Gene: PPP1R15B (protein phosphatase 1 regulatory subunit 15B; minus strand). Cytogenetic location: 1q32.1.
Variant type: single nucleotide variant.
Coding change: c.1447A>G on transcript NM_032833.5 (MANE Select); coding-DNA position 1447, A replaced by G.
Protein change: p.Ser483Gly; replaces serine 483 with glycine.
Molecular consequence: missense variant.
Genome position (GRCh38, 1-based): chr1:204,409,965, T>C on the plus strand (A>G on the coding strand, the complement: PPP1R15B is on the minus strand). VCF-style: chr1-204409965-T-C. GRCh37 (hg19) VCF-style: chr1-204379093-T-C.
Other names: short protein forms S483G.
Identifiers: ClinVar variation 2875293 (VCV002875293.3), dbSNP rs768781480, ClinGen allele CA344352505.